The following is an entry in ClinVar:

NM_002299.4(LCT):c.493C>G (p.Leu165Val)

Gene: LCT (lactase; minus strand). Cytogenetic location: 2q21.3.
Variant type: single nucleotide variant.
Coding change: c.493C>G on transcript NM_002299.4 (MANE Select); coding-DNA position 493, C replaced by G.
Protein change: p.Leu165Val; replaces leucine 165 with valine.
Molecular consequence: missense variant.
Genome position (GRCh38, 1-based): chr2:135,836,677, G>C on the plus strand (C>G on the coding strand, the complement: LCT is on the minus strand). VCF-style: chr2-135836677-G-C. GRCh37 (hg19) VCF-style: chr2-136594247-G-C.
Other names: short protein forms L165V.
Identifiers: ClinVar variation 2130750 (VCV002130750.4), dbSNP rs2467260366, ClinGen allele CA348609226.
Genomic context (GRCh38, chr2:135,836,677, plus strand): 5'-GGTGGGGAAGCTCCTTGATCACTTCCTCCAAGTCACTGAAGGTGAACCAGATCCCAACTA[G>C]GTCCCCGAAGGAGTGGAAGGCGAATGTGGCATAGTCGGCGAAGAGGTCAGCAAAGGCTTC-3'
Protein context (NP_002290.2, residues 155-175): ATFAFHSFGD[Leu165Val]VGIWFTFSDL

ClinVar aggregate classification (germline): Uncertain significance (1 of 4 stars; one submission).

Submission:

Labcorp Genetics (formerly Invitae), Labcorp
Classification: Uncertain significance. Last evaluated: 2023-09-13. Review status: criteria provided, single submitter. Criteria: Invitae Variant Classification Sherloc (09022015). Collection method: clinical testing. Allele origin: germline.
Comment: This sequence change replaces leucine, which is neutral and non-polar, with valine, which is neutral and non-polar, at codon 165 of the LCT protein (p.Leu165Val). This variant is not present in population databases (gnomAD no frequency). This variant has not been reported in the literature in individuals affected with LCT-related conditions. ClinVar contains an entry for this variant (Variation ID: 2130750). An algorithm developed to predict the effect of missense changes on protein structure and function (PolyPhen-2) suggests that this variant is likely to be disruptive. In summary, the available evidence is currently insufficient to determine the role of this variant in disease. Therefore, it has been classified as a Variant of Uncertain Significance.